The following is an entry in ClinVar:

NM_139058.3(ARX):c.346A>G (p.Thr116Ala)

Genes: ARX (aristaless related homeobox; minus strand), LOC109610631 (aristaless related homeobox polyalanine expansion region; plus strand). Cytogenetic location: Xp21.3.
Variant type: single nucleotide variant.
Coding change: c.346A>G on transcript NM_139058.3 (MANE Select); coding-DNA position 346, A replaced by G.
Protein change: p.Thr116Ala; replaces threonine 116 with alanine.
Molecular consequence: missense variant.
Genome position (GRCh38, 1-based): chrX:25,013,649, T>C on the plus strand (A>G on the coding strand, the complement: ARX is on the minus strand). VCF-style: chrX-25013649-T-C. GRCh37 (hg19) VCF-style: chrX-25031766-T-C.
Other names: short protein forms T116A.
Identifiers: ClinVar variation 1038654 (VCV001038654.6), dbSNP rs1449728469, ClinGen allele CA412613369.

ClinVar aggregate classification (germline): Uncertain significance (1 of 4 stars; one submission).

Conditions:
Intellectual disability, X-linked, with or without seizures, ARX-related. Also called: MENTAL RETARDATION, X-LINKED 29; MENTAL RETARDATION, X-LINKED 32; MENTAL RETARDATION, X-LINKED 33; MENTAL RETARDATION, X-LINKED 38; MENTAL RETARDATION, X-LINKED 43; MENTAL RETARDATION, X-LINKED 76. Identifiers: Orphanet 777, MedGen C0796244, MONDO:0010317, OMIM 300419.
Developmental and epileptic encephalopathy, 1 (DEE1). Also called: X-linked infantile spasms; West's syndrome; Tonic spasms with clustering, arrest of psychomotor development and hypsarrhythmia on EEG; X-Linked Infantile Spasm Syndrome; OHTAHARA SYNDROME, X-LINKED; Epileptic encephalopathy, early infantile, 1. Identifiers: MedGen C3463992, MONDO:0010632, OMIM 308350. Disease mechanism: loss of function.

Submission:

Labcorp Genetics (formerly Invitae), Labcorp
Classification: Uncertain significance for Developmental and epileptic encephalopathy, 1; Intellectual disability, X-linked, with or without seizures, ARX-related. Last evaluated: 2022-01-14. Review status: criteria provided, single submitter. Criteria: Invitae Variant Classification Sherloc (09022015). Collection method: clinical testing. Allele origin: germline.
Comment: This sequence change replaces threonine, which is neutral and polar, with alanine, which is neutral and non-polar, at codon 116 of the ARX protein (p.Thr116Ala). The frequency data for this variant in the population databases is considered unreliable, as metrics indicate insufficient coverage at this position in the gnomAD database. This variant has not been reported in the literature in individuals affected with ARX-related conditions. ClinVar contains an entry for this variant (Variation ID: 1038654). Advanced modeling of protein sequence and biophysical properties (such as structural, functional, and spatial information, amino acid conservation, physicochemical variation, residue mobility, and thermodynamic stability) performed at Invitae indicates that this missense variant is not expected to disrupt ARX protein function. In summary, the available evidence is currently insufficient to determine the role of this variant in disease. Therefore, it has been classified as a Variant of Uncertain Significance.